The following is an entry in ClinVar:

NM_000419.5(ITGA2B):c.2189T>G (p.Ile730Arg)

Gene: ITGA2B (integrin subunit alpha 2b; minus strand). Cytogenetic location: 17q21.31.
Variant type: single nucleotide variant.
Coding change: c.2189T>G on transcript NM_000419.5 (MANE Select); coding-DNA position 2189, T replaced by G.
Protein change: p.Ile730Arg; replaces isoleucine 730 with arginine.
Molecular consequence: missense variant.
Genome position (GRCh38, 1-based): chr17:44,377,087, A>C on the plus strand (T>G on the coding strand, the complement: ITGA2B is on the minus strand). VCF-style: chr17-44377087-A-C. GRCh37 (hg19) VCF-style: chr17-42454455-A-C.
Other names: short protein forms I730R.
Identifiers: ClinVar variation 2465783 (VCV002465783.4), dbSNP rs369344450, ClinGen allele CA8602786.

ClinVar aggregate classification (germline): Uncertain significance. Review status: criteria provided, multiple submitters, no conflicts (2 of 4 stars). 2 submissions from 2 submitters: Uncertain significance (2). Last evaluated 2025-03-05.

Conditions:
Inborn genetic diseases. Identifiers: MedGen C0950123, MeSH D030342.
Glanzmann thrombasthenia. Also called: BLEEDING DISORDER, PLATELET-TYPE, 2; THROMBASTHENIA OF GLANZMANN AND NAEGELI; Thrombasthenia; PLATELET GLYCOPROTEIN IIb-IIIa DEFICIENCY; Glanzmann's thrombasthenia. Identifiers: Orphanet 849, MedGen C0040015, MONDO:0100326.

Allele frequency attached by ClinVar (database versions not stated): gnomAD 0.00004; gnomAD exomes 0.00004; TOPMed 0.00004; ESP Exome Variant Server 0.00008.
gnomAD v4.1: 56 of 1,570,748 alleles (0.0036%); highest among the groups gnomAD compares: African/African-American, 0.0054%; no homozygotes.

Submissions (2):

Labcorp Genetics (formerly Invitae), Labcorp
Classification: Uncertain significance for Glanzmann thrombasthenia. Last evaluated: 2025-03-05. Review status: criteria provided, single submitter. Criteria: Invitae Variant Classification Sherloc (09022015). Collection method: clinical testing. Allele origin: germline.
Comment: This sequence change replaces isoleucine, which is neutral and non-polar, with arginine, which is basic and polar, at codon 730 of the ITGA2B protein (p.Ile730Arg). This variant is present in population databases (rs369344450, gnomAD 0.01%). This variant has not been reported in the literature in individuals affected with ITGA2B-related conditions. ClinVar contains an entry for this variant (Variation ID: 2465783). Invitae Evidence Modeling of protein sequence and biophysical properties (such as structural, functional, and spatial information, amino acid conservation, physicochemical variation, residue mobility, and thermodynamic stability) indicates that this missense variant is expected to disrupt ITGA2B protein function with a positive predictive value of 95%. In summary, the available evidence is currently insufficient to determine the role of this variant in disease. Therefore, it has been classified as a Variant of Uncertain Significance.

Ambry Genetics
Classification: Uncertain significance for Inborn genetic diseases. Last evaluated: 2023-03-06. Review status: criteria provided, single submitter. Criteria: Ambry Variant Classification Scheme 2023. Collection method: clinical testing. Allele origin: germline.